The following is an entry in ClinVar:

ClinVar aggregate classification (germline): Uncertain significance (1 of 4 stars; one submission).

Submission:

GeneDx
Classification: Uncertain significance. Last evaluated: 2025-05-29. Review status: criteria provided, single submitter. Criteria: GeneDx Variant Classification Process June 2021. Collection method: clinical testing. Allele origin: germline. Affected: yes.
Comment: Not observed at significant frequency in large population cohorts (gnomAD); In silico analysis supports that this missense variant has a deleterious effect on protein structure/function; Has not been previously published as pathogenic or benign to our knowledge

NM_002232.5(KCNA3):c.1456T>C (p.Phe486Leu)

Gene: KCNA3 (potassium voltage-gated channel subfamily A member 3; minus strand). Cytogenetic location: 1p13.3.
Variant type: single nucleotide variant.
Coding change: c.1456T>C on transcript NM_002232.5 (MANE Select); coding-DNA position 1456, T replaced by C.
Protein change: p.Phe486Leu; replaces phenylalanine 486 with leucine.
Molecular consequence: missense variant. On other transcripts: non-coding transcript variant (1).
Genome position (GRCh38, 1-based): chr1:110,673,354, A>G on the plus strand (T>C on the coding strand, the complement: KCNA3 is on the minus strand). VCF-style: chr1-110673354-A-G. GRCh37 (hg19) VCF-style: chr1-111215976-A-G.
Other names: short protein forms F486L.
Identifiers: ClinVar variation 4532713 (VCV004532713.1).